The following is an entry in ClinVar:

ClinVar aggregate classification (germline): Conflicting classifications of pathogenicity. Review status: criteria provided, conflicting classifications (1 of 4 stars). 3 submissions from 3 submitters: Uncertain significance (2); Likely benign (1). Last evaluated 2025-02-10.

Conditions:
Kufor-Rakeb syndrome (KRS). Also called: PARKINSON DISEASE 9, AUTOSOMAL RECESSIVE, JUVENILE-ONSET. Identifiers: Orphanet 306674, Orphanet 314632, MedGen C1847640, MONDO:0011706, OMIM 606693.
Autosomal recessive spastic paraplegia type 78. Identifiers: Orphanet 513436, MedGen C5567893, MONDO:0014975, OMIM 617225.
Inborn genetic diseases. Identifiers: MedGen C0950123, MeSH D030342.

Allele frequency attached by ClinVar (database versions not stated): gnomAD 0.00001; gnomAD exomes 0.00002 and 0.00005; TOPMed 0.00003; ExAC 0.00007; 1000 Genomes Project 30x 0.00016; 1000 Genomes Project 0.00020.
gnomAD v4.1: 39 of 1,614,106 alleles (0.0024%); highest among the groups gnomAD compares: South Asian, 0.031%; no homozygotes.

Submissions (3):

Labcorp Genetics (formerly Invitae), Labcorp
Classification: Uncertain significance for Kufor-Rakeb syndrome; Autosomal recessive spastic paraplegia type 78. Last evaluated: 2025-02-10. Review status: criteria provided, single submitter. Criteria: Invitae Variant Classification Sherloc (09022015). Collection method: clinical testing. Allele origin: germline.
Comment: This sequence change replaces arginine, which is basic and polar, with glutamine, which is neutral and polar, at codon 487 of the ATP13A2 protein (p.Arg487Gln). This variant is present in population databases (rs560095049, gnomAD 0.03%). This variant has not been reported in the literature in individuals affected with ATP13A2-related conditions. ClinVar contains an entry for this variant (Variation ID: 1352645). Invitae Evidence Modeling of protein sequence and biophysical properties (such as structural, functional, and spatial information, amino acid conservation, physicochemical variation, residue mobility, and thermodynamic stability) indicates that this missense variant is expected to disrupt ATP13A2 protein function with a positive predictive value of 80%. In summary, the available evidence is currently insufficient to determine the role of this variant in disease. Therefore, it has been classified as a Variant of Uncertain Significance.

Ambry Genetics
Classification: Likely benign for Inborn genetic diseases. Last evaluated: 2025-01-03. Review status: criteria provided, single submitter. Criteria: Ambry Variant Classification Scheme 2023. Collection method: clinical testing. Allele origin: germline.

Mayo Clinic Laboratories, Mayo Clinic
Classification: Uncertain significance. Last evaluated: 2021-11-16. Review status: criteria provided, single submitter. Criteria: ACMG Guidelines, 2015. Collection method: clinical testing. Allele origin: germline. Observed: 1 variant allele.
Comment: PP3, PM2

NM_022089.4(ATP13A2):c.1460G>A (p.Arg487Gln)

Gene: ATP13A2 (ATPase cation transporting 13A2; minus strand). Cytogenetic location: 1p36.13.
Variant type: single nucleotide variant.
Coding change: c.1460G>A on transcript NM_022089.4 (MANE Select); coding-DNA position 1460, G replaced by A.
Protein change: p.Arg487Gln; replaces arginine 487 with glutamine.
Molecular consequence: missense variant.
Genome position (GRCh38, 1-based): chr1:16,996,058, C>T on the plus strand (G>A on the coding strand, the complement: ATP13A2 is on the minus strand). VCF-style: chr1-16996058-C-T. GRCh37 (hg19) VCF-style: chr1-17322553-C-T.
Other names: p.Arg487Gln; c.1460G>A (NM_022089.3, NM_022089.2); c.1445G>A, p.Arg482Gln (NM_001141973.3, NM_001141974.3); short protein forms R487Q, R482Q.
Identifiers: ClinVar variation 1352645 (VCV001352645.8), dbSNP rs560095049, ClinGen allele CA637201.